The following is an entry in ClinVar:

NM_001366521.1(ATP2B1):c.980A>T (p.Asp327Val)

Gene: ATP2B1 (ATPase plasma membrane Ca2+ transporting 1; minus strand). Cytogenetic location: 12q21.33.
Variant type: single nucleotide variant.
Coding change: c.980A>T on transcript NM_001366521.1 (MANE Select); coding-DNA position 980, A replaced by T.
Protein change: p.Asp327Val; replaces aspartic acid 327 with valine.
Molecular consequence: missense variant. On other transcripts: non-coding transcript variant (3).
Genome position (GRCh38, 1-based): chr12:89,626,603, T>A on the plus strand (A>T on the coding strand, the complement: ATP2B1 is on the minus strand). VCF-style: chr12-89626603-T-A. GRCh37 (hg19) VCF-style: chr12-90020380-T-A.
Other names: c.980A>T, p.Asp327Val (NM_001001323.2, NM_001366520.1, NM_001366522.1 and 13 more transcripts); c.782A>T, p.Asp261Val (NM_001366530.1, NM_001413053.1); c.419A>T, p.Asp140Val (NM_001366531.1, NM_001366532.1, NM_001413058.1 and 2 more transcripts); c.941A>T, p.Asp314Val (NM_001413048.1); c.839A>T, p.Asp280Val (NM_001413051.1, NM_001413052.1, NM_001413055.1); c.725A>T, p.Asp242Val (NM_001413056.1); c.527A>T, p.Asp176Val (NM_001413057.1); short protein forms D280V, D327V, D176V, D242V, D140V, D261V, D314V.
Identifiers: ClinVar variation 4985081 (VCV004985081.1).
Genomic context (GRCh38, chr12:89,626,603, plus strand): 5'-TTTTCATCACCATCTCCACCTTCTTCACTCTTCAATGGCTGCATTTCCATGGCTGCACCA[T>A]CCTGGGCTTTTGCTACATTTAAGAGCAAATAGAACTTCACTATACTTTAAAGGCACATAT-3'
Protein context (NP_001353450.1, residues 317-337): IENRNKAKAQ[Asp327Val]GAAMEMQPLK

ClinVar aggregate classification (germline): Uncertain significance (1 of 4 stars; one submission).

Conditions:
ATP2B1-related disorder. Also called: ATP2B1-related condition.

Submission:

PreventionGenetics, part of Exact Sciences
Classification: Uncertain significance for ATP2B1-related condition. Last evaluated: 2025-05-08. Review status: criteria provided, single submitter. Criteria: ACMG Guidelines, 2015. Collection method: clinical testing. Allele origin: germline.
Comment: The ATP2B1 c.980A>T variant is predicted to result in the amino acid substitution p.Asp327Val. To our knowledge, this variant has not been reported in the literature or in a large population database (gnomAD), indicating this variant is rare. At this time, the clinical significance of this variant is uncertain due to the absence of conclusive functional and genetic evidence.